The following is an entry in ClinVar:

NM_198578.4(LRRK2):c.2405G>A (p.Ser802Asn)

Gene: LRRK2 (leucine rich repeat kinase 2; plus strand). Cytogenetic location: 12q12.
Variant type: single nucleotide variant.
Coding change: c.2405G>A on transcript NM_198578.4 (MANE Select); coding-DNA position 2405, G replaced by A.
Protein change: p.Ser802Asn; replaces serine 802 with asparagine.
Molecular consequence: missense variant.
Genome position (GRCh38, 1-based): chr12:40,284,038, G>A. VCF-style: chr12-40284038-G-A. GRCh37 (hg19) VCF-style: chr12-40677840-G-A.
Other names: short protein forms S802N.
Identifiers: ClinVar variation 1934779 (VCV001934779.5), dbSNP rs542083503, ClinGen allele CA6513633.

ClinVar aggregate classification (germline): Uncertain significance (1 of 4 stars; one submission).

Conditions:
Autosomal dominant Parkinson disease 8. Also called: LRRK2-Related Parkinson Disease; Parkinson disease 8; Parkinson disease 8, susceptibility to. Identifiers: Orphanet 411602, MedGen C1846862, MONDO:0011764, OMIM 607060.

Allele frequency attached by ClinVar (database versions not stated): gnomAD exomes below 0.00001; ExAC 0.00001; gnomAD 0.00001; 1000 Genomes Project 30x 0.00016; 1000 Genomes Project 0.00020.
gnomAD v4.1: 4 of 1,613,788 alleles (0.00025%); highest among the groups gnomAD compares: South Asian, 0.0022%; no homozygotes.

Submission:

Labcorp Genetics (formerly Invitae), Labcorp
Classification: Uncertain significance for Autosomal dominant Parkinson disease 8. Last evaluated: 2022-09-15. Review status: criteria provided, single submitter. Criteria: Invitae Variant Classification Sherloc (09022015). Collection method: clinical testing. Allele origin: germline.
Comment: This variant is present in population databases (rs542083503, gnomAD 0.003%). This variant has not been reported in the literature in individuals affected with LRRK2-related conditions. Advanced modeling of protein sequence and biophysical properties (such as structural, functional, and spatial information, amino acid conservation, physicochemical variation, residue mobility, and thermodynamic stability) has been performed at Invitae for this missense variant, however the output from this modeling did not meet the statistical confidence thresholds required to predict the impact of this variant on LRRK2 protein function. In summary, the available evidence is currently insufficient to determine the role of this variant in disease. Therefore, it has been classified as a Variant of Uncertain Significance. This sequence change replaces serine, which is neutral and polar, with asparagine, which is neutral and polar, at codon 802 of the LRRK2 protein (p.Ser802Asn).